The following is an entry in ClinVar:

ClinVar aggregate classification (germline): Likely benign. Review status: criteria provided, single submitter (1 of 4 stars). 2 submissions from 2 submitters: Likely benign (1). 1 of the submissions does not count toward it. Last evaluated 2025-04-01.

Conditions:
IRF2BPL-related disorder. Also called: IRF2BPL-related condition. Identifiers: MedGen CN381093.

Submissions (2):

CeGaT Center for Human Genetics Tuebingen
Classification: Likely benign. Last evaluated: 2025-04-01. Review status: criteria provided, single submitter. Criteria: CeGaT Center For Human Genetics Tuebingen Variant Classification Criteria Version 2. Collection method: clinical testing. Allele origin: germline. Affected: yes. Observed: 3 variant alleles.
Comment: IRF2BPL: BP4, BP7

PreventionGenetics, part of Exact Sciences
Classification: Likely benign for IRF2BPL-related condition. Last evaluated: 2019-10-28. Review status: no assertion criteria provided. Collection method: clinical testing. Allele origin: germline. Not counted in ClinVar's aggregate classification.
Comment: This variant is classified as likely benign based on ACMG/AMP sequence variant interpretation guidelines (Richards et al. 2015 PMID: 25741868, with internal and published modifications).

NM_024496.4(IRF2BPL):c.873G>A (p.Gly291=)

Gene: IRF2BPL (interferon regulatory factor 2 binding protein like; minus strand). Cytogenetic location: 14q24.3.
Variant type: single nucleotide variant.
Coding change: c.873G>A on transcript NM_024496.4 (MANE Select); coding-DNA position 873, G replaced by A.
Protein change: p.Gly291=; no amino-acid change (glycine 291 retained).
Molecular consequence: synonymous variant.
Genome position (GRCh38, 1-based): chr14:77,026,920, C>T on the plus strand (G>A on the coding strand, the complement: IRF2BPL is on the minus strand). VCF-style: chr14-77026920-C-T. GRCh37 (hg19) VCF-style: chr14-77493263-C-T.
Other names: c.873G>A (NM_024496.3).
Identifiers: ClinVar variation 2644394 (VCV002644394.25), dbSNP rs750813346, ClinGen allele CA7283823.